The following is an entry in ClinVar:

ClinVar aggregate classification (germline): Benign/Likely benign. Review status: criteria provided, multiple submitters, no conflicts (2 of 4 stars). 9 submissions from 8 submitters: Benign (8); Likely benign (1). Last evaluated 2026-02-04.

Conditions:
Retinal dystrophy. Also called: Inherited retinal dystrophy. Identifiers: Orphanet 71862, MedGen C0854723, MeSH D058499, MONDO:0019118, HP:0000556.
Leber congenital amaurosis 3 (LCA3). Also called: SPATA7-Related Retinitis Pigmentosa. Identifiers: MedGen C1858677, MONDO:0011415, OMIM 604232.
Retinitis pigmentosa (RP). Identifiers: Orphanet 791, MedGen C0035334, MeSH D012174, MONDO:0019200, OMIM 268000. Inheritance: Autosomal dominant, autosomal recessive and X linked inheritance.

Allele frequency attached by ClinVar (database versions not stated): ExAC 0.34728; gnomAD 0.38775 and 0.39047; TOPMed 0.39055; 1000 Genomes Project 0.40755; 1000 Genomes Project 30x 0.40818; ESP Exome Variant Server 0.41095.
gnomAD v4.1: 551,011 of 1,604,060 alleles (34%); highest among the groups gnomAD compares: African/African-American, 54%; 98,114 homozygotes.

Submissions (9):

Labcorp Genetics (formerly Invitae), Labcorp
Classification: Benign for Leber congenital amaurosis 3. Last evaluated: 2026-02-04. Review status: criteria provided, single submitter. Criteria: Invitae Variant Classification Sherloc (09022015). Collection method: clinical testing. Allele origin: germline.

Blueprint Genetics
Classification: Likely benign. Last evaluated: 2024-11-28. Review status: criteria provided, single submitter. Criteria: ACMG Guidelines, 2015. Collection method: clinical testing. Allele origin: germline.

Dept Of Ophthalmology, Nagoya University
Classification: Benign for Retinal dystrophy. Last evaluated: 2023-10-01. Review status: criteria provided, single submitter. Criteria: Submitter's publication. Collection method: research. Allele origin: germline. Affected: yes.

Genome-Nilou Lab
Classification: Benign for Leber congenital amaurosis 3. Last evaluated: 2021-07-15. Review status: criteria provided, single submitter. Criteria: ACMG Guidelines, 2015. Collection method: clinical testing. Allele origin: germline. Affected: no.

Mendelics
Classification: Benign. Last evaluated: 2019-05-28. Review status: criteria provided, single submitter. Criteria: Mendelics Assertion Criteria 2017. Collection method: clinical testing. Allele origin: unknown.

Illumina Laboratory Services, Illumina
Classification: Benign for Retinitis pigmentosa. Last evaluated: 2018-01-12. Review status: criteria provided, single submitter. Criteria: ICSL Variant Classification Criteria 13 December 2019. Collection method: clinical testing. Allele origin: germline.
Comment: This variant was observed in the ICSL laboratory as part of a predisposition screen in an ostensibly healthy population. It had not been previously curated by ICSL or reported in the Human Gene Mutation Database (HGMD: prior to June 1st, 2018), and was therefore a candidate for classification through an automated scoring system. Utilizing variant allele frequency, disease prevalence and penetrance estimates, and inheritance mode, an automated score was calculated to assess if this variant is too frequent to cause the disease. Based on the score and internal cut-off values, a variant classified as benign is not then subjected to further curation. The score for this variant resulted in a classification of benign for this disease.

Illumina Laboratory Services, Illumina
Classification: Benign for Leber congenital amaurosis 3. Last evaluated: 2018-01-12. Review status: criteria provided, single submitter. Criteria: ICSL Variant Classification Criteria 13 December 2019. Collection method: clinical testing. Allele origin: germline.
Comment: the same text as in the submission from Illumina Laboratory Services, Illumina above.

Eurofins Ntd Llc (ga)
Classification: Benign. Last evaluated: 2016-04-04. Review status: criteria provided, single submitter. Criteria: EGL Classification Definitions 2015. Collection method: clinical testing. Allele origin: germline. Observed: 1 variant allele, 1 homozygote.

Breakthrough Genomics
Classification: Benign. Review status: criteria provided, single submitter. Criteria: ACMG Guidelines, 2015. Collection method: not provided. Allele origin: germline. Inheritance: Autosomal recessive inheritance. Affected: yes.

NM_018418.5(SPATA7):c.220G>A (p.Val74Met)

Gene: SPATA7 (spermatogenesis associated 7; plus strand). Cytogenetic location: 14q31.3.
Variant type: single nucleotide variant.
Coding change: c.220G>A on transcript NM_018418.5 (MANE Select); coding-DNA position 220, G replaced by A.
Protein change: p.Val74Met; replaces valine 74 with methionine.
Molecular consequence: missense variant.
Genome position (GRCh38, 1-based): chr14:88,396,185, G>A. VCF-style: chr14-88396185-G-A. GRCh37 (hg19) VCF-style: chr14-88862529-G-A.
Other names: c.124G>A, p.Val42Met (NM_001040428.4); short protein forms V74M, V42M.
Identifiers: ClinVar variation 286866 (VCV000286866.23), dbSNP rs3179969, ClinGen allele CA7298428.
Genomic context (GRCh38, chr14:88,396,185, plus strand): 5'-ATATTATTAAACTATTACCTTTCTCTTTCAGCTGCAGTAGACTGCTCGGTTCCAGTAAGC[G>A]TGAGTACCAGCATAAAGTGTAAGTAATTTTTGGACATTATTACCTTTTTAAAAAAAAATT-3'
Protein context (NP_060888.2, residues 64-84): AAVDCSVPVS[Val74Met]STSIKYADQQ